The following is an entry in ClinVar:

NC_000016.9:g.(?_90089130)_(90094150_?)del

Gene: GAS8 (growth arrest specific 8; plus strand). Cytogenetic location: 16q24.3.
Variant type: Deletion.
Identifiers: ClinVar variation 1455472 (VCV001455472.4).

ClinVar aggregate classification (germline): Pathogenic (1 of 4 stars; one submission).

Conditions:
Primary ciliary dyskinesia 33. Also called: CILIARY DYSKINESIA, PRIMARY, 33, WITHOUT SITUS INVERSUS. Identifiers: Orphanet 244, MedGen C4225230, MONDO:0014750, OMIM 616726.

Submission:

Labcorp Genetics (formerly Invitae), Labcorp
Classification: Pathogenic for Primary ciliary dyskinesia 33. Last evaluated: 2021-08-02. Review status: criteria provided, single submitter. Criteria: Invitae Variant Classification Sherloc (09022015). Collection method: clinical testing. Allele origin: germline.
Comment: For these reasons, this variant has been classified as Pathogenic. This variant has not been reported in the literature in individuals affected with GAS8-related conditions. This variant is a gross deletion of the genomic region encompassing exon(s) 1-2 of the GAS8 gene, which includes the initiator codon. The 5' end of this event is unknown as it extends beyond the assayed region for this gene and therefore may encompass additional genes. The 3' boundary is likely confined to intron 2 of the GAS8 gene. It is expected to result in an absent or disrupted protein product. Loss-of-function variants in GAS8 are known to be pathogenic (PMID: 26387594).

Literature cited by the submitters: PubMed 26387594.